The following is an entry in ClinVar:

NM_001308210.2(TSHZ1):c.1883C>T (p.Thr628Met)

Gene: TSHZ1 (teashirt zinc finger homeobox 1; plus strand). Cytogenetic location: 18q22.3.
Variant type: single nucleotide variant.
Coding change: c.1883C>T on transcript NM_001308210.2 (MANE Select); coding-DNA position 1883, C replaced by T.
Protein change: p.Thr628Met; replaces threonine 628 with methionine.
Molecular consequence: missense variant.
Genome position (GRCh38, 1-based): chr18:75,287,290, C>T. VCF-style: chr18-75287290-C-T. GRCh37 (hg19) VCF-style: chr18-72999245-C-T.
Other names: c.1748C>T, p.Thr583Met (NM_005786.6); c.1748C>T (NM_005786.5); short protein forms T583M, T628M.
Identifiers: ClinVar variation 4939364 (VCV004939364.2).

ClinVar aggregate classification (germline): Conflicting classifications of pathogenicity. Review status: criteria provided, conflicting classifications (1 of 4 stars). 2 submissions from 2 submitters: Uncertain significance (1); Likely benign (1). Last evaluated 2025-03-02.

Conditions:
TSHZ1-related disorder. Also called: TSHZ1-related condition.

gnomAD v4.1: 126 of 1,614,070 alleles (0.0078%); highest among the groups gnomAD compares: Middle Eastern, 0.016%; no homozygotes.

Submissions (2):

PreventionGenetics, part of Exact Sciences
Classification: Uncertain significance for TSHZ1-related condition. Last evaluated: 2025-03-02. Review status: criteria provided, single submitter. Criteria: ACMG Guidelines, 2015. Collection method: clinical testing. Allele origin: germline.
Comment: The TSHZ1 c.1748C>T variant is predicted to result in the amino acid substitution p.Thr583Met. To our knowledge, this variant has not been reported in the literature. This variant is reported in 0.0081% of alleles in individuals of African descent in gnomAD. At this time, the clinical significance of this variant is uncertain due to the absence of conclusive functional and genetic evidence.

Blueprint Genetics
Classification: Likely benign. Last evaluated: 2024-01-18. Review status: criteria provided, single submitter. Criteria: ACMG Guidelines, 2015. Collection method: clinical testing. Allele origin: germline.